The following is an entry in ClinVar:

ClinVar aggregate classification (germline): Pathogenic. Review status: criteria provided, multiple submitters, no conflicts (2 of 4 stars). 2 submissions from 2 submitters: Pathogenic (2). Last evaluated 2019-05-28.

Conditions:
X-linked severe combined immunodeficiency (SCIDX1). Also called: T-B+ severe combined immunodeficiency due to gamma chain deficiency; IMMUNODEFICIENCY 4; X-Linked Combined Immunodeficiency Diseases; SCID, X-LINKED; SEVERE COMBINED IMMUNODEFICIENCY, X-LINKED, T CELL-NEGATIVE, B CELL-POSITIVE, NK CELL-NEGATIVE. Identifiers: Orphanet 276, MedGen C6022468, MONDO:0010315, OMIM 300400. Disease mechanism: loss of function.

Submissions (2):

Mendelics
Classification: Pathogenic for X-linked severe combined immunodeficiency. Last evaluated: 2019-05-28. Review status: criteria provided, single submitter. Criteria: Mendelics Assertion Criteria 2017. Collection method: clinical testing. Allele origin: unknown.

Labcorp Genetics (formerly Invitae), Labcorp
Classification: Pathogenic for X-linked severe combined immunodeficiency. Last evaluated: 2017-05-04. Review status: criteria provided, single submitter. Criteria: Invitae Variant Classification Sherloc (09022015). Collection method: clinical testing. Allele origin: germline.
Comment: In summary, this is a novel truncation that disrupts a protein domain that is essential for proper IL2 receptor function. Therefore this variant has been classified as Pathogenic. While the effect of this particular variant has not been studied, it is expected to disrupt the C-terminal region of the interleukin receptor common gamma chain, which is known to be critical for proper association with Jak3 (PMID: 7973658, 7973659). Deletions affecting this intracellular region of the protein have been shown to lead to defects in signal transduction, including loss of ability to induce c-myc, c-fos, and c-jun expression (PMID: 7683423). This variant is not present in population databases (ExAC no frequency) and has not been reported in the literature in individuals with an IL2RG-related disease. This sequence change deletes 8 nucleotides from exon 7 of the IL2RG mRNA (c.903_910delTGAATACC), causing a frameshift at codon 302. This creates a premature translational stop signal in the last exon of the IL2RG mRNA (p.Glu302Argfs*11). While this is not anticipated to result in nonsense mediated decay, it is expected to disrupt the last 66 amino acids of the IL2RG protein.

Literature cited by the submitters: PubMed 7973658 (cited by Labcorp Genetics (formerly Invitae), Labcorp); PubMed 7973659 (cited by Labcorp Genetics (formerly Invitae), Labcorp); PubMed 7683423 (cited by Labcorp Genetics (formerly Invitae), Labcorp).

NM_000206.3(IL2RG):c.903_910del (p.Glu302fs)

Gene: IL2RG (interleukin 2 receptor subunit gamma; minus strand). Cytogenetic location: Xq13.1.
Variant type: Deletion.
Coding change: c.903_910del on transcript NM_000206.3 (MANE Select); coding-DNA positions 903 to 910, 8 bases deleted (TGAATACC; older notation c.903_910delTGAATACC).
Protein change: p.Glu302fs; shifts the reading frame from glutamic acid 302.
Molecular consequence: frameshift variant.
Genome position (GRCh38, 1-based): chrX:71,108,291-71,108,298, GGTATTCA deleted on the plus strand (TGAATACC on the coding strand, the reverse complement: IL2RG is on the minus strand); deleting any 8 consecutive bases within chrX:71,108,291-71,108,299 gives the same sequence; the c. name uses the placement nearest the transcript's 3' end. VCF-style (leftmost placement, unchanged base first): chrX-71108290-TGGTATTCA-T. GRCh37 (hg19) VCF-style: chrX-70328140-TGGTATTCA-T.
Other names: c.903_910delTGAATACC (NM_000206.2); short protein forms E302fs.
Identifiers: ClinVar variation 463387 (VCV000463387.9), dbSNP rs1556329779, ClinGen allele CA658659007.